The following is an entry in ClinVar:

NM_000722.4(CACNA2D1):c.3211T>C (p.Tyr1071His)

Gene: CACNA2D1 (calcium voltage-gated channel auxiliary subunit alpha2delta 1; minus strand). Cytogenetic location: 7q21.11.
Variant type: single nucleotide variant.
Coding change: c.3211T>C on transcript NM_000722.4 (MANE Select); coding-DNA position 3211, T replaced by C.
Protein change: p.Tyr1071His; replaces tyrosine 1071 with histidine.
Molecular consequence: missense variant.
Genome position (GRCh38, 1-based): chr7:81,950,457, A>G on the plus strand (T>C on the coding strand, the complement: CACNA2D1 is on the minus strand). VCF-style: chr7-81950457-A-G. GRCh37 (hg19) VCF-style: chr7-81579773-A-G.
Other names: c.3247T>C, p.Tyr1083His (NM_001366867.1); short protein forms Y1083H, Y1071H.
Identifiers: ClinVar variation 1439054 (VCV001439054.10), dbSNP rs2129931750, ClinGen allele CA367880341.

ClinVar aggregate classification (germline): Uncertain significance. Review status: criteria provided, multiple submitters, no conflicts (2 of 4 stars). 2 submissions from 2 submitters: Uncertain significance (2). Last evaluated 2021-04-29.

Conditions:
Cardiovascular phenotype. Identifiers: MedGen CN230736.
Brugada syndrome. Also called: Sudden unexpected nocturnal death syndrome; Sudden unexplained nocturnal death syndrome; Sudden Unexplained Death Syndrome; Sudden Unexplained Nocturnal Death Syndrome (SUNDS). Identifiers: Orphanet 130, MedGen C1142166, MONDO:0015263.

gnomAD v4.1: 1 of 1,613,232 alleles (0.000062%); highest among the groups gnomAD compares: East Asian, 0.0022%; no homozygotes.

Submissions (2):

Labcorp Genetics (formerly Invitae), Labcorp
Classification: Uncertain significance for Brugada syndrome. Last evaluated: 2021-04-29. Review status: criteria provided, single submitter. Criteria: Invitae Variant Classification Sherloc (09022015). Collection method: clinical testing. Allele origin: germline.
Comment: This sequence change replaces tyrosine with histidine at codon 1071 of the CACNA2D1 protein (p.Tyr1071His). The tyrosine residue is weakly conserved and there is a moderate physicochemical difference between tyrosine and histidine. This variant is not present in population databases (ExAC no frequency). This variant has not been reported in the literature in individuals with CACNA2D1-related conditions. Algorithms developed to predict the effect of missense changes on protein structure and function are either unavailable or do not agree on the potential impact of this missense change (SIFT: "Deleterious"; PolyPhen-2: "Benign"; Align-GVGD: "Class C0"). In summary, the available evidence is currently insufficient to determine the role of this variant in disease. Therefore, it has been classified as a Variant of Uncertain Significance.

Ambry Genetics
Classification: Uncertain significance for Cardiovascular phenotype. Last evaluated: 2019-10-29. Review status: criteria provided, single submitter. Criteria: Ambry Variant Classification Scheme 2023. Collection method: clinical testing. Allele origin: germline.
Comment: The p.Y1071H variant (also known as c.3211T>C), located in coding exon 39 of the CACNA2D1 gene, results from a T to C substitution at nucleotide position 3211. The tyrosine at codon 1071 is replaced by histidine, an amino acid with similar properties. This amino acid position is poorly conserved in available vertebrate species. In addition, this alteration is predicted to be tolerated by in silico analysis. Since supporting evidence is limited at this time, the clinical significance of this alteration remains unclear.